The following is an entry in ClinVar:

NM_001378418.1(TCF20):c.344T>C (p.Val115Ala)

Gene: TCF20 (transcription factor 20; minus strand). Cytogenetic location: 22q13.2.
Variant type: single nucleotide variant.
Coding change: c.344T>C on transcript NM_001378418.1 (MANE Select); coding-DNA position 344, T replaced by C.
Protein change: p.Val115Ala; replaces valine 115 with alanine.
Molecular consequence: missense variant.
Genome position (GRCh38, 1-based): chr22:42,214,962, A>G on the plus strand (T>C on the coding strand, the complement: TCF20 is on the minus strand). VCF-style: chr22-42214962-A-G. GRCh37 (hg19) VCF-style: chr22-42610968-A-G.
Other names: c.344T>C, p.Val115Ala (NM_005650.4, NM_181492.3); short protein forms V115A.
Identifiers: ClinVar variation 1345288 (VCV001345288.8), dbSNP rs202211712, ClinGen allele CA10267378.

ClinVar aggregate classification (germline): Uncertain significance (1 of 4 stars; one submission).

Allele frequency attached by ClinVar (database versions not stated): ExAC 0.00001; 1000 Genomes Project 0.00020; 1000 Genomes Project 30x 0.00062.
gnomAD v4.1: 6 of 1,614,238 alleles (0.00037%); highest among the groups gnomAD compares: African/African-American, 0.008%; no homozygotes.

Submission:

Labcorp Genetics (formerly Invitae), Labcorp
Classification: Uncertain significance. Last evaluated: 2021-05-27. Review status: criteria provided, single submitter. Criteria: Invitae Variant Classification Sherloc (09022015). Collection method: clinical testing. Allele origin: germline.
Comment: This variant has not been reported in the literature in individuals with TCF20-related conditions. Algorithms developed to predict the effect of missense changes on protein structure and function are either unavailable or do not agree on the potential impact of this missense change (SIFT: "Deleterious"; PolyPhen-2: "Probably Damaging"; Align-GVGD: "Class C0"). In summary, the available evidence is currently insufficient to determine the role of this variant in disease. Therefore, it has been classified as a Variant of Uncertain Significance. This variant is present in population databases (rs202211712, ExAC 0.01%). This sequence change replaces valine with alanine at codon 115 of the TCF20 protein (p.Val115Ala). The valine residue is moderately conserved and there is a small physicochemical difference between valine and alanine.